The following is an entry in ClinVar:

ClinVar aggregate classification (germline): Uncertain significance (1 of 4 stars; one submission).

Conditions:
Epidermolysis bullosa simplex 5C, with pyloric atresia (EBS5C). Also called: Epidermolysis bullosa simplex with pyloric atresia; PLEC-Related Epidermolysis Bullosa with Pyloric Atresia; PLEC1-Related Epidermolysis Bullosa with Pyloric Atresia. Identifiers: Orphanet 158684, MedGen C2677349, MONDO:0012807, OMIM 612138.
Epidermolysis bullosa simplex with nail dystrophy (EBS5D). Identifiers: MedGen C4225309, MONDO:0014661, OMIM 616487.
Epidermolysis bullosa simplex 5B, with muscular dystrophy (EBS5B). Also called: Epidermolysis bullosa simplex with muscular dystrophy; EPIDERMOLYSIS BULLOSA SIMPLEX AND LIMB-GIRDLE MUSCULAR DYSTROPHY. Identifiers: Orphanet 257, MedGen C2931072, MONDO:0009181, OMIM 226670.
Autosomal recessive limb-girdle muscular dystrophy type 2Q (LGMDR17). Also called: MUSCULAR DYSTROPHY, LIMB-GIRDLE, AUTOSOMAL RECESSIVE 17. Identifiers: Orphanet 254361, MedGen C3150989, MONDO:0013390, OMIM 613723.
Epidermolysis bullosa simplex, Ogna type (EBS5A). Also called: Pidermolysis bullosa simplex 5A, Ogna type; EPIDERMOLYSIS BULLOSA SIMPLEX 5A, OGNA TYPE. Identifiers: Orphanet 79401, MedGen C0432317, MONDO:0007555, OMIM 131950.

gnomAD v4.1: 33 of 1,584,820 alleles (0.0021%); highest among the groups gnomAD compares: Non-Finnish European, 0.0028%; no homozygotes.

Submission:

Labcorp Genetics (formerly Invitae), Labcorp
Classification: Uncertain significance for Autosomal recessive limb-girdle muscular dystrophy type 2Q; Epidermolysis bullosa simplex, Ogna type; Epidermolysis bullosa simplex with nail dystrophy; Epidermolysis bullosa simplex 5C, with pyloric atresia; Epidermolysis bullosa simplex 5B, with muscular dystrophy. Last evaluated: 2021-01-05. Review status: criteria provided, single submitter. Criteria: Invitae Variant Classification Sherloc (09022015). Collection method: clinical testing. Allele origin: germline.
Comment: This sequence change replaces arginine with leucine at codon 1207 of the PLEC protein (p.Arg1207Leu). The arginine residue is moderately conserved and there is a moderate physicochemical difference between arginine and leucine. This variant is not present in population databases (ExAC no frequency). This variant has not been reported in the literature in individuals with PLEC-related conditions. Algorithms developed to predict the effect of missense changes on protein structure and function are either unavailable or do not agree on the potential impact of this missense change (SIFT: "Tolerated"; PolyPhen-2: "Not Available"; Align-GVGD: "Class C0"). In summary, the available evidence is currently insufficient to determine the role of this variant in disease. Therefore, it has been classified as a Variant of Uncertain Significance.

NM_201384.3(PLEC):c.3539G>T (p.Arg1180Leu)

Gene: PLEC (plectin; minus strand). Cytogenetic location: 8q24.3.
Variant type: single nucleotide variant.
Coding change: c.3539G>T on transcript NM_201384.3 (MANE Select); coding-DNA position 3539, G replaced by T.
Protein change: p.Arg1180Leu; replaces arginine 1180 with leucine.
Molecular consequence: missense variant.
Genome position (GRCh38, 1-based): chr8:143,927,627, C>A on the plus strand (G>T on the coding strand, the complement: PLEC is on the minus strand). VCF-style: chr8-143927627-C-A. GRCh37 (hg19) VCF-style: chr8-145001795-C-A.
Other names: c.3620G>T, p.Arg1207Leu (NM_000445.5); c.3497G>T, p.Arg1166Leu (NM_201378.4); c.3473G>T, p.Arg1158Leu (NM_201379.3); c.3950G>T, p.Arg1317Leu (NM_201380.4); c.3443G>T, p.Arg1148Leu (NM_201381.3); c.3539G>T, p.Arg1180Leu (NM_201382.4); c.3551G>T, p.Arg1184Leu (NM_201383.3); short protein forms R1184L, R1148L, R1158L, R1166L, R1317L, R1180L, R1207L.
Identifiers: ClinVar variation 1399695 (VCV001399695.8), dbSNP rs782477789, ClinGen allele CA372565752.